The following is an entry in ClinVar:

ClinVar aggregate classification (germline): other (0 of 4 stars; one submission).

Conditions:
Familial colorectal cancer. Identifiers: MedGen CN280943, MONDO:0023113. Disease mechanism: loss of function.

Submission:

Systems Biology Platform Zhejiang California International NanoSystems Institute
Classification: other for Familial colorectal cancer. Review status: no assertion criteria provided. Collection method: not provided. Allele origin: unknown.
ClinVar note: Converted during submission from cancer to other.

NM_000038.6(APC):c.646-2575C>T

Gene: APC (APC regulator of WNT signaling pathway; plus strand). Cytogenetic location: 5q22.2.
Variant type: single nucleotide variant.
Coding change: c.646-2575C>T on transcript NM_000038.6 (MANE Select); 2575 bases into the intron before coding-DNA position 646, C replaced by T.
Molecular consequence: intron variant.
Genome position (GRCh38, 1-based): chr5:112,789,871, C>T. VCF-style: chr5-112789871-C-T. GRCh37 (hg19) VCF-style: chr5-112125568-C-T.
Other names: c.646-2575C>T (NM_001354895.2, NM_001127510.3, NM_001354896.2 and 1 more transcripts); c.676-2575C>T (NM_001354897.2, NM_001354902.2); c.675+8968C>T (NM_001127511.3); c.571-2575C>T (NM_001354898.2, NM_001354904.2); c.-390-2575C>T (NM_001354906.2); c.645+8968C>T (NM_001354899.2); c.469-2575C>T (NM_001354900.2, NM_001354901.2, NM_001354905.2).
Identifiers: ClinVar variation 82987 (VCV000082987.2), dbSNP rs79705778, ClinGen allele CA011764.